The following is an entry in ClinVar:

NM_000138.5(FBN1):c.5853G>T (p.Val1951=)

Gene: FBN1 (fibrillin 1; minus strand). Cytogenetic location: 15q21.1.
Variant type: single nucleotide variant.
Coding change: c.5853G>T on transcript NM_000138.5 (MANE Select); coding-DNA position 5853, G replaced by T.
Protein change: p.Val1951=; no amino-acid change (valine 1951 retained).
Molecular consequence: synonymous variant.
Genome position (GRCh38, 1-based): chr15:48,445,440, C>A on the plus strand (G>T on the coding strand, the complement: FBN1 is on the minus strand). VCF-style: chr15-48445440-C-A. GRCh37 (hg19) VCF-style: chr15-48737637-C-A.
Other names: c.5853G>T, p.Val1951= (NM_001406716.1).
Identifiers: ClinVar variation 4756889 (VCV004756889.1).

ClinVar aggregate classification (germline): Uncertain significance (1 of 4 stars; one submission).

Conditions:
Familial thoracic aortic aneurysm and aortic dissection (TAAD). Also called: Thoracic aortic aneurysms and dissections. Identifiers: Orphanet 91387, MedGen C4707243, MONDO:0019625.

Submission:

Color Diagnostics, LLC DBA Color Health
Classification: Uncertain significance for Familial thoracic aortic aneurysm and aortic dissection. Last evaluated: 2025-06-23. Review status: criteria provided, single submitter. Criteria: ACMG Guidelines, 2015. Collection method: clinical testing. Allele origin: germline.
Comment: This variant is located in the FBN1 protein. To our knowledge, functional studies have not been reported for this variant. This variant has not been reported in individuals affected with FBN1-related disorders in the literature. This variant has not been identified in the general population by the Genome Aggregation Database (gnomAD). The available evidence is insufficient to determine the role of this variant in disease conclusively. Therefore, this variant is classified as a Variant of Uncertain Significance.